The following is an entry in ClinVar:

NM_014991.6(WDFY3):c.2966G>T (p.Gly989Val)

Genes: WDFY3 (WD repeat and FYVE domain containing 3; minus strand), WDFY3-AS1 (WDFY3 antisense RNA 1; plus strand). Cytogenetic location: 4q21.23.
Variant type: single nucleotide variant.
Coding change: c.2966G>T on transcript NM_014991.6 (MANE Select); coding-DNA position 2966, G replaced by T.
Protein change: p.Gly989Val; replaces glycine 989 with valine.
Molecular consequence: missense variant. On other transcripts: non-coding transcript variant (1).
Genome position (GRCh38, 1-based): chr4:84,796,722, C>A on the plus strand (G>T on the coding strand, the complement: WDFY3 is on the minus strand). VCF-style: chr4-84796722-C-A. GRCh37 (hg19) VCF-style: chr4-85717875-C-A.
Other names: short protein forms G989V.
Identifiers: ClinVar variation 2576668 (VCV002576668.1), dbSNP rs1749512435, ClinGen allele CA357562412.

ClinVar aggregate classification (germline): Uncertain significance (1 of 4 stars; one submission).

gnomAD v4.1: 2 of 1,613,720 alleles (0.00012%); highest among the groups gnomAD compares: South Asian, 0.0011%; no homozygotes.

Submission:

GeneDx
Classification: Uncertain significance. Last evaluated: 2023-02-21. Review status: criteria provided, single submitter. Criteria: GeneDx Variant Classification Process June 2021. Collection method: clinical testing. Allele origin: germline. Affected: yes.
Comment: Not observed at significant frequency in large population cohorts (gnomAD); In silico analysis supports that this missense variant does not alter protein structure/function; Has not been previously published as pathogenic or benign to our knowledge